The following is an entry in ClinVar:

NM_012199.5(AGO1):c.183G>C (p.Pro61=)

Gene: AGO1 (argonaute RISC component 1; plus strand). Cytogenetic location: 1p34.3.
Variant type: single nucleotide variant.
Coding change: c.183G>C on transcript NM_012199.5 (MANE Select); coding-DNA position 183, G replaced by C.
Protein change: p.Pro61=; no amino-acid change (proline 61 retained).
Molecular consequence: synonymous variant. On other transcripts: 5 prime UTR variant (1).
Genome position (GRCh38, 1-based): chr1:35,888,584, G>C. VCF-style: chr1-35888584-G-C. GRCh37 (hg19) VCF-style: chr1-36354185-G-C.
Other names: c.183G>C, p.Pro61= (NM_001317122.2); c.-43G>C (NM_001317123.2).
Identifiers: ClinVar variation 720251 (VCV000720251.5), dbSNP rs74665168, ClinGen allele CA762952.

ClinVar aggregate classification (germline): Benign. Review status: criteria provided, single submitter (1 of 4 stars). 2 submissions from 2 submitters: Benign (1). 1 of the submissions does not count toward it. Last evaluated 2019-12-31.

Conditions:
AGO1-related disorder. Also called: AGO1-related condition.

Allele frequency attached by ClinVar (database versions not stated): 1000 Genomes Project 0.00699; 1000 Genomes Project 30x 0.00765; ESP Exome Variant Server 0.00769; TOPMed 0.00848.
gnomAD v4.1: 2,537 of 1,614,126 alleles (0.16%); highest among the groups gnomAD compares: African/African-American, 2.9%; 22 homozygotes.

Submissions (2):

Labcorp Genetics (formerly Invitae), Labcorp
Classification: Benign. Last evaluated: 2019-12-31. Review status: criteria provided, single submitter. Criteria: Invitae Variant Classification Sherloc (09022015). Collection method: clinical testing. Allele origin: germline.

PreventionGenetics, part of Exact Sciences
Classification: Benign for AGO1-related condition. Last evaluated: 2024-06-18. Review status: no assertion criteria provided. Collection method: clinical testing. Allele origin: germline. Not counted in ClinVar's aggregate classification.
Comment: This variant is classified as benign based on ACMG/AMP sequence variant interpretation guidelines (Richards et al. 2015 PMID: 25741868, with internal and published modifications).